The following is an entry in ClinVar:

NM_000535.7(PMS2):c.540G>A (p.Glu180=)

Gene: PMS2 (PMS1 homolog 2, mismatch repair system component; minus strand). Cytogenetic location: 7p22.1.
Variant type: single nucleotide variant.
Coding change: c.540G>A on transcript NM_000535.7 (MANE Select); coding-DNA position 540, G replaced by A.
Protein change: p.Glu180=; no amino-acid change (glutamic acid 180 retained).
Molecular consequence: synonymous variant. On other transcripts: non-coding transcript variant (1), intron variant (3).
Genome position (GRCh38, 1-based): chr7:5,999,273, C>T on the plus strand (G>A on the coding strand, the complement: PMS2 is on the minus strand). VCF-style: chr7-5999273-C-T. GRCh37 (hg19) VCF-style: chr7-6038904-C-T.
Other names: c.135G>A, p.Glu45= (NM_001322003.2, NM_001322004.2, NM_001322005.2 and 2 more transcripts); c.540G>A, p.Glu180= (NM_001322006.2, NM_001322014.2); c.222G>A, p.Glu74= (NM_001322007.2, NM_001322008.2); c.231G>A, p.Glu77= (NM_001322015.2); c.133-1850G>A (NM_001322013.2); c.-347-47G>A (NM_001322012.2, NM_001322011.2).
Identifiers: ClinVar variation 924100 (VCV000924100.11), dbSNP rs1784832714, ClinGen allele CA453647286.

ClinVar aggregate classification (germline): Benign/Likely benign. Review status: criteria provided, multiple submitters, no conflicts (2 of 4 stars). 5 submissions from 5 submitters: Benign (1); Likely benign (4). Last evaluated 2026-02-03.

Conditions:
Lynch syndrome 4 (LYNCH4). Also called: Colorectal cancer, hereditary nonpolyposis, type 4; Hereditary non-polyposis colorectal cancer, type 4. Identifiers: Orphanet 144, MedGen C1838333, MONDO:0013699, OMIM 614337. Disease mechanism: loss of function.
Hereditary nonpolyposis colorectal neoplasms. Identifiers: MedGen C0009405, MeSH D003123.
Hereditary cancer-predisposing syndrome. Also called: Neoplastic Syndromes, Hereditary; Tumor predisposition; Hereditary Cancer Syndrome; Hereditary neoplastic syndrome. Identifiers: Orphanet 140162, MedGen C0027672, MeSH D009386, MONDO:0015356.

Allele frequency attached by ClinVar (database versions not stated): gnomAD exomes below 0.00001.
gnomAD v4.1: 1 of 1,613,474 alleles (0.000062%); highest among the groups gnomAD compares: Non-Finnish European, 0.000085%; no homozygotes.

Submissions (5):

Labcorp Genetics (formerly Invitae), Labcorp
Classification: Likely benign for Hereditary nonpolyposis colorectal neoplasms. Last evaluated: 2026-02-03. Review status: criteria provided, single submitter. Criteria: Invitae Variant Classification Sherloc (09022015). Collection method: clinical testing. Allele origin: germline.

Myriad Genetics, Inc.
Classification: Benign for Lynch syndrome 4. Last evaluated: 2025-01-27. Review status: criteria provided, single submitter. Criteria: Myriad Autosomal Dominant, Autosomal Recessive and X-Linked Classification Criteria (2023). Collection method: clinical testing. Allele origin: unknown.
Comment: This variant is considered benign. This variant is a silent/synonymous amino acid change and it is not expected to impact splicing.

Ambry Genetics
Classification: Likely benign for Hereditary cancer-predisposing syndrome. Last evaluated: 2022-07-06. Review status: criteria provided, single submitter. Criteria: Ambry Variant Classification Scheme 2023. Collection method: clinical testing. Allele origin: germline.

Sema4
Classification: Likely benign for Hereditary cancer-predisposing syndrome. Last evaluated: 2021-01-11. Review status: criteria provided, single submitter. Criteria: Sema4 Curation Guidelines. Collection method: curation. Allele origin: germline.

Color Diagnostics, LLC DBA Color Health
Classification: Likely benign for Hereditary cancer-predisposing syndrome. Last evaluated: 2018-11-15. Review status: criteria provided, single submitter. Criteria: ACMG Guidelines, 2015. Collection method: clinical testing. Allele origin: germline.